The following is an entry in ClinVar:

NM_001242957.3(MAK):c.583_584del (p.Met195fs)

Gene: MAK (male germ cell associated kinase; minus strand). Cytogenetic location: 6p24.2.
Variant type: Microsatellite.
Coding change: c.583_584del on transcript NM_001242957.3 (MANE Select); coding-DNA positions 583 to 584, 2 bases deleted (AT; older notation c.583_584delAT).
Protein change: p.Met195fs; shifts the reading frame from methionine 195.
Molecular consequence: frameshift variant. On other transcripts: non-coding transcript variant (2).
Genome position (GRCh38, 1-based): chr6:10,803,799-10,803,800, AT deleted on the plus strand (AT on the coding strand, the reverse complement: MAK is on the minus strand); deleting any 2 consecutive bases within chr6:10,803,799-10,803,803 gives the same sequence; the c. name uses the placement nearest the transcript's 3' end. VCF-style (leftmost placement, unchanged base first): chr6-10803798-CAT-C. GRCh37 (hg19) VCF-style: chr6-10804031-CAT-C.
Other names: c.583_584del, p.Met195fs (NM_001242385.2, NM_005906.6); c.481_482del, p.Met161fs (NM_001377262.1); short protein forms M161fs, M195fs.
Identifiers: ClinVar variation 2823240 (VCV002823240.3), dbSNP rs746288738, ClinGen allele CA3633672.

ClinVar aggregate classification (germline): Pathogenic (1 of 4 stars; one submission).

Submission:

Labcorp Genetics (formerly Invitae), Labcorp
Classification: Pathogenic. Last evaluated: 2022-12-22. Review status: criteria provided, single submitter. Criteria: Invitae Variant Classification Sherloc (09022015). Collection method: clinical testing. Allele origin: germline.
Comment: This sequence change creates a premature translational stop signal (p.Met195Valfs*10) in the MAK gene. It is expected to result in an absent or disrupted protein product. Loss-of-function variants in MAK are known to be pathogenic (PMID: 21148103, 21825139, 24938718, 29781741). This variant is present in population databases (rs746288738, gnomAD 0.0009%). This variant has not been reported in the literature in individuals affected with MAK-related conditions. For these reasons, this variant has been classified as Pathogenic.

Literature cited by the submitters: PubMed 21148103; PubMed 21825139; PubMed 24938718; PubMed 29781741.